The following is an entry in ClinVar:

NM_000400.4(ERCC2):c.379G>T (p.Gly127Trp)

Gene: ERCC2 (ERCC excision repair 2, TFIIH core complex helicase subunit; minus strand). Cytogenetic location: 19q13.32.
Variant type: single nucleotide variant.
Coding change: c.379G>T on transcript NM_000400.4 (MANE Select); coding-DNA position 379, G replaced by T.
Protein change: p.Gly127Trp; replaces glycine 127 with tryptophan.
Molecular consequence: missense variant.
Genome position (GRCh38, 1-based): chr19:45,365,140, C>A on the plus strand (G>T on the coding strand, the complement: ERCC2 is on the minus strand). VCF-style: chr19-45365140-C-A. GRCh37 (hg19) VCF-style: chr19-45868398-C-A.
Other names: c.307G>T, p.Gly103Trp (NM_001130867.2); short protein forms G103W, G127W.
Identifiers: ClinVar variation 3231695 (VCV003231695.1), dbSNP rs2514035208, ClinGen allele CA406376219.

ClinVar aggregate classification (germline): Uncertain significance (1 of 4 stars; one submission).

Conditions:
Inborn genetic diseases. Identifiers: MedGen C0950123, MeSH D030342.

Submission:

Ambry Genetics
Classification: Uncertain significance for Inborn genetic diseases. Last evaluated: 2024-01-14. Review status: criteria provided, single submitter. Criteria: Ambry Variant Classification Scheme 2023. Collection method: clinical testing. Allele origin: germline.
Comment: The p.G127W variant (also known as c.379G>T), located in coding exon 6 of the ERCC2 gene, results from a G to T substitution at nucleotide position 379. The glycine at codon 127 is replaced by tryptophan, an amino acid with highly dissimilar properties. This amino acid position is conserved. In addition, this alteration is predicted to be deleterious by in silico analysis. Since supporting evidence is limited at this time, the clinical significance of this alteration remains unclear.